The following is an entry in ClinVar:

NM_003172.4(SURF1):c.606_610dup (p.Ile204fs)

Gene: SURF1 (SURF1 cytochrome c oxidase assembly factor; minus strand). Cytogenetic location: 9q34.2.
Variant type: Duplication.
Coding change: c.606_610dup on transcript NM_003172.4 (MANE Select); coding-DNA positions 606 to 610, 5 bases duplicated (CCTCA; older notation c.606_610dupCCTCA).
Protein change: p.Ile204fs; shifts the reading frame from isoleucine 204.
Molecular consequence: frameshift variant.
Genome position (GRCh38, 1-based): chr9:133,352,587-133,352,591, TGAGG duplicated on the plus strand (CCTCA on the coding strand, the reverse complement: SURF1 is on the minus strand); duplicating any 5 consecutive bases within chr9:133,352,587-133,352,592 gives the same sequence; the c. name uses the placement nearest the transcript's 3' end. VCF-style (leftmost placement, unchanged base first): chr9-133352586-A-ATGAGG. GRCh37 (hg19) VCF-style: chr9-136219441-A-ATGAGG.
Other names: c.279_283dup, p.Ile95fs (NM_001280787.1); short protein forms I95fs, I204fs.
Identifiers: ClinVar variation 2147072 (VCV002147072.5), dbSNP rs945343783, ClinGen allele CA200832402.
Genomic context (GRCh38, chr9:133,352,586, plus strand): 5'-CTTTCTGGATTGTTCTCAGGGACAAAAGGCTGCCTGGTTTCTGTCAGCCTCACCATCCCA[A>ATGAGG]TGAGGTCCACTTCTCCCTCAATCTATAAAGGAAGGTGTGTGAGATTGCATGGAGCCTGGT-3'

ClinVar aggregate classification (germline): Pathogenic/Likely pathogenic. Review status: criteria provided, multiple submitters, no conflicts (2 of 4 stars). 2 submissions from 2 submitters: Pathogenic (1); Likely pathogenic (1). Last evaluated 2024-06-11.

Conditions:
Charcot-Marie-Tooth disease type 4K. Also called: CHARCOT-MARIE-TOOTH DISEASE, DEMYELINATING, AUTOSOMAL RECESSIVE, TYPE 4K; CHARCOT-MARIE-TOOTH NEUROPATHY, DEMYELINATING, AUTOSOMAL RECESSIVE, TYPE 4K; CHARCOT-MARIE-TOOTH DISEASE, DEMYELINATING, TYPE 4K. Identifiers: Orphanet 391351, MedGen C4225246, MONDO:0014733, OMIM 616684.
Mitochondrial complex IV deficiency, nuclear type 1 (MC4DN1). Also called: COX DEFICIENCY; Mitochondrial complex IV deficiency; Complex 4 mitochondrial respiratory chain deficiency; Deficiency of mitochondrial respiratory chain complex4; Complex IV deficiency. Identifiers: MedGen C5435656, MONDO:0700250, OMIM 220110. Disease mechanism: loss of function.
Leigh syndrome (NULS). Also called: Leigh's necrotizing encephalopathy; Leigh's disease; Leigh Disease; Leigh Syndrome (mtDNA deletion); Leigh's syndrome; Subacute necrotizing encephalopathy. Identifiers: Orphanet 506, MedGen C2931891, MONDO:0009723, OMIM 256000.

Submissions (2):

Labcorp Genetics (formerly Invitae), Labcorp
Classification: Pathogenic for Leigh syndrome. Last evaluated: 2024-06-11. Review status: criteria provided, single submitter. Criteria: Invitae Variant Classification Sherloc (09022015). Collection method: clinical testing. Allele origin: germline.
Comment: This sequence change creates a premature translational stop signal (p.Ile204Thrfs*6) in the SURF1 gene. It is expected to result in an absent or disrupted protein product. Loss-of-function variants in SURF1 are known to be pathogenic (PMID: 10443880, 22488715, 24027061). This variant is not present in population databases (gnomAD no frequency). This variant has not been reported in the literature in individuals affected with SURF1-related conditions. ClinVar contains an entry for this variant (Variation ID: 2147072). For these reasons, this variant has been classified as Pathogenic.

Fulgent Genetics
Classification: Likely pathogenic for Mitochondrial complex IV deficiency, nuclear type 1; Charcot-Marie-Tooth disease type 4K. Last evaluated: 2024-01-15. Review status: criteria provided, single submitter. Criteria: ACMG Guidelines, 2015. Collection method: clinical testing. Allele origin: germline.

Literature cited by the submitters: PubMed 10443880 (cited by Labcorp Genetics (formerly Invitae), Labcorp); PubMed 22488715 (cited by Labcorp Genetics (formerly Invitae), Labcorp); PubMed 24027061 (cited by Labcorp Genetics (formerly Invitae), Labcorp).